The following is an entry in ClinVar:

ClinVar aggregate classification (germline): Uncertain significance (1 of 4 stars; one submission).

Conditions:
Inborn genetic diseases. Identifiers: MedGen C0950123, MeSH D030342.

Submission:

Ambry Genetics
Classification: Uncertain significance for Inborn genetic diseases. Last evaluated: 2025-07-19. Review status: criteria provided, single submitter. Criteria: Ambry Variant Classification Scheme 2023. Collection method: clinical testing. Allele origin: germline.
Comment: The p.N978H variant (also known as c.2932A>C), located in coding exon 14 of the FANCM gene, results from an A to C substitution at nucleotide position 2932. The asparagine at codon 978 is replaced by histidine, an amino acid with similar properties. This amino acid position is conserved. In addition, this alteration is predicted to be tolerated by in silico analysis. Based on the available evidence, the clinical significance of this variant remains unclear.

NM_020937.4(FANCM):c.2932A>C (p.Asn978His)

Gene: FANCM (FA complementation group M; plus strand). Cytogenetic location: 14q21.2.
Variant type: single nucleotide variant.
Coding change: c.2932A>C on transcript NM_020937.4 (MANE Select); coding-DNA position 2932, A replaced by C.
Protein change: p.Asn978His; replaces asparagine 978 with histidine.
Molecular consequence: missense variant.
Genome position (GRCh38, 1-based): chr14:45,175,686, A>C. VCF-style: chr14-45175686-A-C. GRCh37 (hg19) VCF-style: chr14-45644889-A-C.
Other names: c.2854A>C, p.Asn952His (NM_001308133.2); short protein forms N978H, N952H.
Identifiers: ClinVar variation 4254602 (VCV004254602.1).
Genomic context (GRCh38, chr14:45,175,686, plus strand): 5'-AACTTATTTCTTCCATTCGAAGAAGAGCTTTATATTGTTAGAACAGATGACCAATTTTAT[A>C]ATTGTCACTCATTGACAAAAGAGGTACTAGCTAATGTAGAGAGATTTTTATCTTATTCTC-3'
Protein context (NP_065988.1, residues 968-988): YIVRTDDQFY[Asn978His]CHSLTKEVLA